The following is an entry in ClinVar:

ClinVar aggregate classification (germline): Uncertain significance. Review status: criteria provided, multiple submitters, no conflicts (2 of 4 stars). 2 submissions from 2 submitters: Uncertain significance (2). Last evaluated 2025-12-19.

Conditions:
Cardiovascular phenotype. Identifiers: MedGen CN230736.
Dilated cardiomyopathy 1J (CMD1J). Also called: CARDIOMYOPATHY, DILATED, WITH SENSORINEURAL HEARING LOSS, AUTOSOMAL DOMINANT. Identifiers: Orphanet 217622, MedGen C1854368, MONDO:0011541, OMIM 605362.

Allele frequency attached by ClinVar (database versions not stated): gnomAD exomes below 0.00001; TOPMed below 0.00001.
gnomAD v4.1: 1 of 1,613,758 alleles (0.000062%); highest among the groups gnomAD compares: Non-Finnish European, 0.000085%; no homozygotes.

Submissions (2):

Labcorp Genetics (formerly Invitae), Labcorp
Classification: Uncertain significance for Dilated cardiomyopathy 1J. Last evaluated: 2025-12-19. Review status: criteria provided, single submitter. Criteria: Invitae Variant Classification Sherloc (09022015). Collection method: clinical testing. Allele origin: germline.
Comment: This sequence change replaces valine, which is neutral and non-polar, with isoleucine, which is neutral and non-polar, at codon 599 of the EYA4 protein (p.Val599Ile). This variant is present in population databases (no rsID available, gnomAD 0.0009%). This variant has not been reported in the literature in individuals affected with EYA4-related conditions. ClinVar contains an entry for this variant (Variation ID: 1356110). Invitae Evidence Modeling of protein sequence and biophysical properties (such as structural, functional, and spatial information, amino acid conservation, physicochemical variation, residue mobility, and thermodynamic stability) indicates that this missense variant is not expected to disrupt EYA4 protein function with a negative predictive value of 80%. In summary, the available evidence is currently insufficient to determine the role of this variant in disease. Therefore, it has been classified as a Variant of Uncertain Significance.

Ambry Genetics
Classification: Uncertain significance for Cardiovascular phenotype. Last evaluated: 2024-07-14. Review status: criteria provided, single submitter. Criteria: Ambry Variant Classification Scheme 2023. Collection method: clinical testing. Allele origin: germline.
Comment: The p.V599I variant (also known as c.1795G>A), located in coding exon 18 of the EYA4 gene, results from a G to A substitution at nucleotide position 1795. The valine at codon 599 is replaced by isoleucine, an amino acid with highly similar properties. This amino acid position is conserved. In addition, the in silico prediction for this alteration is inconclusive. Based on the available evidence, the clinical significance of this variant remains unclear.

NM_004100.5(EYA4):c.1795G>A (p.Val599Ile)

Genes: EYA4 (EYA transcriptional coactivator and phosphatase 4; plus strand), TARID (TCF21 antisense RNA inducing promoter demethylation; minus strand). Cytogenetic location: 6q23.2.
Variant type: single nucleotide variant.
Coding change: c.1795G>A on transcript NM_004100.5 (MANE Select); coding-DNA position 1795, G replaced by A.
Protein change: p.Val599Ile; replaces valine 599 with isoleucine.
Molecular consequence: missense variant. On other transcripts: intron variant (3).
Genome position (GRCh38, 1-based): chr6:133,525,210, G>A. VCF-style: chr6-133525210-G-A. GRCh37 (hg19) VCF-style: chr6-133846348-G-A.
Other names: c.1795G>A (NM_004100.4); c.1813G>A, p.Val605Ile (NM_001301013.2); c.1651G>A, p.Val551Ile (NM_001370459.1); c.1726G>A, p.Val576Ile (NM_172103.4); c.1839+95G>A (NM_172105.4); c.1770+95G>A (NM_001370458.1); c.1677+95G>A (NM_001301012.2); short protein forms V605I, V551I, V599I, V576I.
Identifiers: ClinVar variation 1356110 (VCV001356110.7), dbSNP rs1197096901, ClinGen allele CA365700775.
Genomic context (GRCh38, chr6:133,525,210, plus strand): 5'-CCAGGAAAAGAAAGTTGCTTTGAACGAATAATGCAAAGGTTTGGCAGAAAAGTAGTGTAT[G>A]TTGTAATTGGGGATGGTGTAGAAGAAGAACAGGCAGCAAAAAAGGTAACCTGTCTCAAAC-3'
Protein context (NP_004091.3, residues 589-609): MQRFGRKVVY[Val599Ile]VIGDGVEEEQ